The following is an entry in ClinVar:

NM_000143.4(FH):c.1511A>T (p.Lys504Met)

Gene: FH (fumarate hydratase; minus strand). Cytogenetic location: 1q43.
Variant type: single nucleotide variant.
Coding change: c.1511A>T on transcript NM_000143.4 (MANE Select); coding-DNA position 1511, A replaced by T.
Protein change: p.Lys504Met; replaces lysine 504 with methionine.
Molecular consequence: missense variant.
Genome position (GRCh38, 1-based): chr1:241,497,850, T>A on the plus strand (A>T on the coding strand, the complement: FH is on the minus strand). VCF-style: chr1-241497850-T-A. GRCh37 (hg19) VCF-style: chr1-241661150-T-A.
Other names: short protein forms K504M.
Identifiers: ClinVar variation 4257353 (VCV004257353.1).
Genomic context (GRCh38, chr1:241,497,850, plus strand): 5'-TTTTATACATGTTTATTTTCATTATAAATTTATGTAAATCACTTTGGACCCAGCATGTCC[T>A]TAGGTTTTACCCATTCGTCAAACTGCTCTGCTGTGAGATAGCCAAGTTCGATAGCAGTTT-3'
Protein context (NP_000134.2, residues 494-510): AEQFDEWVKP[Lys504Met]DMLGPK

ClinVar aggregate classification (germline): Uncertain significance (1 of 4 stars; one submission).

Conditions:
Hereditary cancer-predisposing syndrome. Also called: Hereditary Cancer Syndrome; Hereditary neoplastic syndrome; Neoplastic Syndromes, Hereditary; Tumor predisposition. Identifiers: Orphanet 140162, MedGen C0027672, MeSH D009386, MONDO:0015356.

Submission:

Ambry Genetics
Classification: Uncertain significance for Hereditary cancer-predisposing syndrome. Last evaluated: 2025-08-10. Review status: criteria provided, single submitter. Criteria: Ambry Variant Classification Scheme 2023. Collection method: clinical testing. Allele origin: germline.
Comment: The p.K504M variant (also known as c.1511A>T), located in coding exon 10 of the FH gene, results from an A to T substitution at nucleotide position 1511. The lysine at codon 504 is replaced by methionine, an amino acid with similar properties. This amino acid position is conserved. In addition, the in silico prediction for this alteration is inconclusive. Based on the available evidence, the clinical significance of this variant remains unclear.